The following is an entry in ClinVar:

NM_006306.4(SMC1A):c.230G>A (p.Arg77Gln)

Gene: SMC1A (structural maintenance of chromosomes 1A; minus strand). Cytogenetic location: Xp11.22.
Variant type: single nucleotide variant.
Coding change: c.230G>A on transcript NM_006306.4 (MANE Select); coding-DNA position 230, G replaced by A.
Protein change: p.Arg77Gln; replaces arginine 77 with glutamine.
Molecular consequence: missense variant.
Genome position (GRCh38, 1-based): chrX:53,415,049, C>T on the plus strand (G>A on the coding strand, the complement: SMC1A is on the minus strand). VCF-style: chrX-53415049-C-T. GRCh37 (hg19) VCF-style: chrX-53441998-C-T.
Other names: c.164G>A, p.Arg55Gln (NM_001281463.1); short protein forms R77Q, R55Q.
Identifiers: ClinVar variation 5010107 (VCV005010107.1).
Genomic context (GRCh38, chrX:53,415,049, plus strand): 5'-ACACGGGCAAAGGTACGGTCCTCAGCACCCTCCTCAGAGTAGACCATGCTGACAAAGGCC[C>T]GGTTGGCAGCTGGCTTGCCCACAGGAGCTCCATGGATCAGGTCCCGCAGGGTCTTTACCC-3'
Protein context (NP_006297.2, residues 67-87): GAPVGKPAAN[Arg77Gln]AFVSMVYSEE

ClinVar aggregate classification (germline): Uncertain significance (1 of 4 stars; one submission).

gnomAD v4.1: 1 of 1,211,129 alleles (0.000083%); highest among the groups gnomAD compares: Non-Finnish European, 0.00011%; no homozygotes.

Submission:

GeneDx
Classification: Uncertain significance. Last evaluated: 2026-03-07. Review status: criteria provided, single submitter. Criteria: GeneDx Variant Classification Process June 2021. Collection method: clinical testing. Allele origin: germline.
Comment: Not observed at significant frequency in large population cohorts (gnomAD); Missense variants in this gene are a common cause of disease and they are underrepresented in the general population; In silico analysis suggests that this missense variant does not alter protein structure/function; Has not been previously published as pathogenic or benign to our knowledge